The following is an entry in ClinVar:

NM_014141.6(CNTNAP2):c.3782C>T (p.Ser1261Leu)

Gene: CNTNAP2 (contactin associated protein 2; plus strand). Cytogenetic location: 7q36.1.
Variant type: single nucleotide variant.
Coding change: c.3782C>T on transcript NM_014141.6 (MANE Select); coding-DNA position 3782, C replaced by T.
Protein change: p.Ser1261Leu; replaces serine 1261 with leucine.
Molecular consequence: missense variant.
Genome position (GRCh38, 1-based): chr7:148,409,457, C>T. VCF-style: chr7-148409457-C-T. GRCh37 (hg19) VCF-style: chr7-148106549-C-T.
Other names: short protein forms S1261L.
Identifiers: ClinVar variation 1442963 (VCV001442963.6), dbSNP rs1294662477, ClinGen allele CA369706606.

ClinVar aggregate classification (germline): Uncertain significance (1 of 4 stars; one submission).

Conditions:
Cortical dysplasia-focal epilepsy syndrome (PTHSL1). Also called: Pitt-Hopkins-like syndrome 1. Identifiers: Orphanet 163681, Orphanet 221150, MedGen C2750246, MONDO:0012400, OMIM 610042.

Allele frequency attached by ClinVar (database versions not stated): gnomAD exomes below 0.00001 and 0.00001; TOPMed 0.00002.
gnomAD v4.1: 11 of 1,613,644 alleles (0.00068%); highest among the groups gnomAD compares: African/African-American, 0.004%; no homozygotes.

Submission:

Labcorp Genetics (formerly Invitae), Labcorp
Classification: Uncertain significance for Cortical dysplasia-focal epilepsy syndrome. Last evaluated: 2025-12-05. Review status: criteria provided, single submitter. Criteria: Invitae Variant Classification Sherloc (09022015). Collection method: clinical testing. Allele origin: germline.
Comment: This sequence change replaces serine, which is neutral and polar, with leucine, which is neutral and non-polar, at codon 1261 of the CNTNAP2 protein (p.Ser1261Leu). This variant is present in population databases (no rsID available, gnomAD 0.01%). This variant has not been reported in the literature in individuals affected with CNTNAP2-related conditions. ClinVar contains an entry for this variant (Variation ID: 1442963). An algorithm developed to predict the effect of missense changes on protein structure and function (PolyPhen-2) suggests that this variant is likely to be tolerated. In summary, the available evidence is currently insufficient to determine the role of this variant in disease. Therefore, it has been classified as a Variant of Uncertain Significance.